The following is an entry in ClinVar:

NM_000289.6(PFKM):c.238-3A>G

Genes: MIR6505 (microRNA 6505; plus strand), PFKM (phosphofructokinase, muscle; plus strand). Cytogenetic location: 12q13.11.
Variant type: single nucleotide variant.
Coding change: c.238-3A>G on transcript NM_000289.6 (MANE Select); 3 bases into the intron before coding-DNA position 238, A replaced by G.
Molecular consequence: intron variant. On other transcripts: non-coding transcript variant (1).
Genome position (GRCh38, 1-based): chr12:48,132,865, A>G. VCF-style: chr12-48132865-A-G. GRCh37 (hg19) VCF-style: chr12-48526648-A-G.
Other names: c.238-3A>G (NM_000289.5, NM_001354742.2, NM_001354743.2 and 5 more transcripts); c.262-3A>G (NM_001354741.2); c.88-3A>G (NM_001354747.2, NM_001354748.2); c.451-3A>G (NM_001166686.2, NM_001354737.1, NM_001354739.1 and 1 more transcripts); c.547-3A>G (NM_001354736.1, NM_001354735.1); c.382-3A>G (NM_001354740.1); c.151-3A>G (NM_001354745.2).
Identifiers: ClinVar variation 2434666 (VCV002434666.10), dbSNP rs1308946694, ClinGen allele CA479696986.

ClinVar aggregate classification (germline): Likely pathogenic. Review status: criteria provided, multiple submitters, no conflicts (2 of 4 stars). 3 submissions from 3 submitters: Likely pathogenic (3). Last evaluated 2024-10-04.

Conditions:
Glycogen storage disease, type VII (GSD7). Also called: GSD VII; MUSCLE PHOSPHOFRUCTOKINASE DEFICIENCY; PFKM DEFICIENCY; TARUI DISEASE. Identifiers: Orphanet 371, MedGen C0017926, MONDO:0009295, OMIM 232800.

Allele frequency attached by ClinVar (database versions not stated): gnomAD exomes below 0.00001; gnomAD 0.00001.
gnomAD v4.1: 8 of 1,609,672 alleles (0.0005%); highest among the groups gnomAD compares: Non-Finnish European, 0.00059%; no homozygotes.

Submissions (3):

Revvity Omics, Revvity
Classification: Likely pathogenic for Glycogen storage disease, type VII. Last evaluated: 2024-10-04. Review status: criteria provided, single submitter. Criteria: ACMG Guidelines, 2015. Collection method: clinical testing. Allele origin: germline.

Labcorp Genetics (formerly Invitae), Labcorp
Classification: Likely pathogenic for Glycogen storage disease, type VII. Last evaluated: 2024-01-12. Review status: criteria provided, single submitter. Criteria: Invitae Variant Classification Sherloc (09022015). Collection method: clinical testing. Allele origin: germline.
Comment: This sequence change falls in intron 4 of the PFKM gene. It does not directly change the encoded amino acid sequence of the PFKM protein. RNA analysis indicates that this variant induces altered splicing and may result in an absent or disrupted protein product. This variant is present in population databases (no rsID available, gnomAD 0.0009%). This variant has been observed in individual(s) with glycogen storage disease type VII (PMID: 22133655). ClinVar contains an entry for this variant (Variation ID: 2434666). Variants that disrupt the consensus splice site are a relatively common cause of aberrant splicing (PMID: 17576681, 9536098). Studies have shown that this variant results in AG insertion, predicting a frameshift and introduces a premature termination codon (PMID: 22133655). The resulting mRNA is expected to undergo nonsense-mediated decay. In summary, the currently available evidence indicates that the variant is pathogenic, but additional data are needed to prove that conclusively. Therefore, this variant has been classified as Likely Pathogenic.

Women's Health and Genetics/Laboratory Corporation of America, LabCorp
Classification: Likely pathogenic for Glycogen storage disease, type VII. Last evaluated: 2023-04-24. Review status: criteria provided, single submitter. Criteria: LabCorp Variant Classification Summary - May 2015. Collection method: clinical testing. Allele origin: germline.
Comment: Variant summary: PFKM c.238-3A>G alters a non-conserved nucleotide located close to a canonical splice site and therefore could affect mRNA splicing, leading to a significantly altered protein sequence. Several computational tools predict a significant impact on normal splicing: three predict the variant abolishes a 3' acceptor site, and four predict the variant creates a 3' acceptor site 2 nucleotides upstream, potentially leading to a frameshift. At least one publication reports experimental evidence that this variant affects mRNA splicing, leading to an insertion of two nucleotides, which is predicted to result in a frameshift and a premature termination codon (p.G80fs4X; Musumeci_2012), which confirms the computational predictions. The variant allele was found at a frequency of 4.1e-06 in 242486 control chromosomes (gnomAD). The available data on variant occurrences in the general population are insufficient to allow any conclusion about variant significance. The variant, c.238-3A>G, has been reported in the literature in at least one homozygous individual affected with Glycogen Storage Disease, Type VII (Musumeci_2012). Authors of this study also reported an enzymatic activity ~1% of normal, in muscle biopsy sample taken from the homozygous patient (Musumeci_2012). One ClinVar submitter (evaluation after 2014) has cited the variant as uncertain significance. Based on the evidence outlined above, the variant was classified as likely pathogenic.

Literature cited by the submitters: PubMed 22133655 (cited by Labcorp Genetics (formerly Invitae), Labcorp and Women's Health and Genetics/Laboratory Corporation of America, LabCorp); PubMed 17576681 (cited by Labcorp Genetics (formerly Invitae), Labcorp); PubMed 9536098 (cited by Labcorp Genetics (formerly Invitae), Labcorp).